The following is an entry in ClinVar:

NM_022042.4(SLC26A1):c.1677C>T (p.Tyr559=)

Genes: IDUA (alpha-L-iduronidase; plus strand), SLC26A1 (solute carrier family 26 member 1; minus strand). Cytogenetic location: 4p16.3.
Variant type: single nucleotide variant.
Coding change: c.1677C>T on transcript NM_022042.4 (MANE Select); coding-DNA position 1677, C replaced by T.
Protein change: p.Tyr559=; no amino-acid change (tyrosine 559 retained).
Molecular consequence: synonymous variant. On other transcripts: intron variant (2).
Genome position (GRCh38, 1-based): chr4:989,262, G>A on the plus strand (C>T on the coding strand, the complement: SLC26A1 is on the minus strand). VCF-style: chr4-989262-G-A. GRCh37 (hg19) VCF-style: chr4-983050-G-A.
Other names: c.1677C>T, p.Tyr559= (NM_213613.4); c.576+1866C>T (NM_134425.4); c.299+1313G>A (NM_000203.5); c.1677C>T (NM_022042.3).
Identifiers: ClinVar variation 1166838 (VCV001166838.24), dbSNP rs35935555, ClinGen allele CA2801313.
Genomic context (GRCh38, chr4:989,262, plus strand): 5'-CTCTGAGCCCCCCTCCTTCCTCCTGGCAGCCATGCACCCTGCGTCCAGCCCCGTGAGGCT[G>A]TAGAGTGACTGCAGGAAGAAGTCCTTGTTGGCATAGTACAGCGGCCCCCCAAAGCGGAAC-3'
Protein context (NP_071325.2, residues 549-569): ANKDFFLQSL[Tyr559=]SLTGLDAGCM

ClinVar aggregate classification (germline): Benign/Likely benign. Review status: criteria provided, multiple submitters, no conflicts (2 of 4 stars). 3 submissions from 3 submitters: Benign (2); Likely benign (1). Last evaluated 2026-01-05.

Conditions:
SLC26A1-related disorder. Also called: SLC26A1-related condition.

Allele frequency attached by ClinVar (database versions not stated): gnomAD exomes 0.00034 and 0.00106; ExAC 0.00135; gnomAD 0.00355 and 0.00374; ESP Exome Variant Server 0.00370; TOPMed 0.00435; 1000 Genomes Project 30x 0.00468; 1000 Genomes Project 0.00519.
gnomAD v4.1: 1,081 of 1,612,656 alleles (0.067%); highest among the groups gnomAD compares: African/African-American, 1.3%; 9 homozygotes.

Submissions (3):

Labcorp Genetics (formerly Invitae), Labcorp
Classification: Benign. Last evaluated: 2026-01-05. Review status: criteria provided, single submitter. Criteria: Invitae Variant Classification Sherloc (09022015). Collection method: clinical testing. Allele origin: germline.

CeGaT Center for Human Genetics Tuebingen
Classification: Likely benign. Last evaluated: 2025-11-01. Review status: criteria provided, single submitter. Criteria: CeGaT Center For Human Genetics Tuebingen Variant Classification Criteria Version 2. Collection method: clinical testing. Allele origin: germline. Affected: yes. Observed: 2 variant alleles.
Comment: SLC26A1: BP4, BP7, BS1

PreventionGenetics, part of Exact Sciences
Classification: Benign for SLC26A1-related condition. Last evaluated: 2025-07-22. Review status: criteria provided, single submitter. Criteria: ACMG Guidelines, 2015. Collection method: clinical testing. Allele origin: germline.
Comment: This variant is classified as benign based on ACMG/AMP sequence variant interpretation guidelines (Richards et al. 2015 PMID: 25741868, with internal and published modifications).